The following is an entry in ClinVar:

NM_153704.6(TMEM67):c.2661+42A>G

Gene: TMEM67 (transmembrane protein 67; plus strand). Cytogenetic location: 8q22.1.
Variant type: single nucleotide variant.
Coding change: c.2661+42A>G on transcript NM_153704.6 (MANE Select); 42 bases into the intron after coding-DNA position 2661, A replaced by G.
Molecular consequence: intron variant.
Genome position (GRCh38, 1-based): chr8:93,809,203, A>G. VCF-style: chr8-93809203-A-G. GRCh37 (hg19) VCF-style: chr8-94821431-A-G.
Other names: c.2418+42A>G (NM_001142301.1).
Identifiers: ClinVar variation 675896 (VCV000675896.1), dbSNP rs73694968, ClinGen allele CA4808363.

ClinVar aggregate classification (germline): Likely benign (1 of 4 stars; one submission).

Allele frequency attached by ClinVar (database versions not stated): gnomAD exomes 0.00141 and 0.00359; ExAC 0.00434; gnomAD 0.01435 and 0.01533; ESP Exome Variant Server 0.01494; 1000 Genomes Project 30x 0.01608; 1000 Genomes Project 0.01677; TOPMed 0.01684.
gnomAD v4.1: 3,745 of 1,212,058 alleles (0.31%); highest among the groups gnomAD compares: African/African-American, 4.8%; 89 homozygotes.

Submission:

GeneDx
Classification: Likely benign. Last evaluated: 2018-06-16. Review status: criteria provided, single submitter. Criteria: GeneDx Variant Classification (06012015). Collection method: clinical testing. Allele origin: germline. Affected: yes.
Comment: This variant is considered likely benign or benign based on one or more of the following criteria: it is a conservative change, it occurs at a poorly conserved position in the protein, it is predicted to be benign by multiple in silico algorithms, and/or has population frequency not consistent with disease.